The following is an entry in ClinVar:

ClinVar aggregate classification (germline): Pathogenic/Likely pathogenic. Review status: criteria provided, multiple submitters, no conflicts (2 of 4 stars). 2 submissions from 2 submitters: Pathogenic (1); Likely pathogenic (1). Last evaluated 2024-04-01.

Conditions:
Very long chain acyl-CoA dehydrogenase deficiency (ACADVLD). Also called: Very Long-Chain Acyl-Coenzyme A Dehydrogenase Deficiency; VLCAD Deficiency. Identifiers: Orphanet 26793, MedGen C3887523, MONDO:0008723, OMIM 201475.

Submissions (2):

Labcorp Genetics (formerly Invitae), Labcorp
Classification: Pathogenic for Very long chain acyl-CoA dehydrogenase deficiency. Last evaluated: 2024-04-01. Review status: criteria provided, single submitter. Criteria: Invitae Variant Classification Sherloc (09022015). Collection method: clinical testing. Allele origin: germline.
Comment: This sequence change creates a premature translational stop signal (p.Glu561Alafs*24) in the ACADVL gene. It is expected to result in an absent or disrupted protein product. Loss-of-function variants in ACADVL are known to be pathogenic (PMID: 9973285, 11590124). This variant is not present in population databases (gnomAD no frequency). This variant has not been reported in the literature in individuals affected with ACADVL-related conditions. ClinVar contains an entry for this variant (Variation ID: 1994429). For these reasons, this variant has been classified as Pathogenic.

Baylor Genetics
Classification: Likely pathogenic for Very long chain acyl-CoA dehydrogenase deficiency. Last evaluated: 2023-10-18. Review status: criteria provided, single submitter. Criteria: ACMG Guidelines, 2015. Collection method: clinical testing. Allele origin: unknown.

Literature cited by the submitters: PubMed 9973285 (cited by Labcorp Genetics (formerly Invitae), Labcorp); PubMed 11590124 (cited by Labcorp Genetics (formerly Invitae), Labcorp).

NM_000018.4(ACADVL):c.1682_1701del (p.Glu561fs)

Gene: ACADVL (acyl-CoA dehydrogenase very long chain; plus strand). Cytogenetic location: 17p13.1.
Variant type: Deletion.
Coding change: c.1682_1701del on transcript NM_000018.4 (MANE Select); coding-DNA positions 1682 to 1701, 20 bases deleted (AACAGTTTCTGCTGCAGCGG).
Protein change: p.Glu561fs; shifts the reading frame from glutamic acid 561.
Molecular consequence: frameshift variant.
Genome position (GRCh38, 1-based): chr17:7,224,645-7,224,664, AACAGTTTCTGCTGCAGCGG deleted; deleting any 20 consecutive bases within chr17:7,224,644-7,224,664 gives the same sequence; the c. name uses the placement nearest the transcript's 3' end. VCF-style (leftmost placement, unchanged base first): chr17-7224643-TGAACAGTTTCTGCTGCAGCG-T. GRCh37 (hg19) VCF-style: chr17-7127962-TGAACAGTTTCTGCTGCAGCG-T.
Other names: c.1616_1635del, p.Glu539fs (NM_001033859.3); c.1751_1770del, p.Glu584fs (NM_001270447.2); c.1454_1473del, p.Glu485fs (NM_001270448.2); short protein forms E539fs, E485fs, E561fs, E584fs.
Identifiers: ClinVar variation 1994429 (VCV001994429.5), dbSNP rs2508366072, ClinGen allele CA2580094864.